The following is an entry in ClinVar:

ClinVar aggregate classification (germline): Uncertain significance. Review status: criteria provided, multiple submitters, no conflicts (2 of 4 stars). 4 submissions from 3 submitters: Uncertain significance (4). Last evaluated 2025-08-22.

Conditions:
Charcot-Marie-Tooth disease type 4C (CMT4C). Also called: SH3TC2-Related Hereditary Motor and Sensory Neuropathy; Charcot-Marie-Tooth Neuropathy Type 4C (CMT4C); CHARCOT-MARIE-TOOTH DISEASE, DEMYELINATING, TYPE 4C; CHARCOT-MARIE-TOOTH DISEASE, DEMYELINATING, AUTOSOMAL RECESSIVE, TYPE 4C; CMT 4C. Identifiers: Orphanet 99949, MedGen C1866636, MONDO:0011113, OMIM 601596.
Inborn genetic diseases. Identifiers: MedGen C0950123, MeSH D030342.
Charcot-Marie-Tooth disease type 4. Also called: Charcot-Marie-Tooth disease, type IV; Charcot-Marie-Tooth, Type 4. Identifiers: Orphanet 64749, MedGen C4082197, MONDO:0018995.
Susceptibility to mononeuropathy of the median nerve, mild. Also called: CARPAL TUNNEL SYNDROME, SUSCEPTIBILITY TO. Identifiers: MedGen C3150596, MONDO:0013237, OMIM 613353.

Allele frequency attached by ClinVar (database versions not stated): TOPMed below 0.00001; ExAC 0.00001; gnomAD exomes 0.00001.
gnomAD v4.1: 10 of 1,614,108 alleles (0.00062%); highest among the groups gnomAD compares: East Asian, 0.011%; no homozygotes.

Submissions (4):

Ambry Genetics
Classification: Uncertain significance for Inborn genetic diseases. Last evaluated: 2025-08-22. Review status: criteria provided, single submitter. Criteria: Ambry Variant Classification Scheme 2023. Collection method: clinical testing. Allele origin: germline.

Labcorp Genetics (formerly Invitae), Labcorp
Classification: Uncertain significance for Charcot-Marie-Tooth disease type 4. Last evaluated: 2023-09-29. Review status: criteria provided, single submitter. Criteria: Invitae Variant Classification Sherloc (09022015). Collection method: clinical testing. Allele origin: germline.
Comment: In summary, the available evidence is currently insufficient to determine the role of this variant in disease. Therefore, it has been classified as a Variant of Uncertain Significance. Advanced modeling of protein sequence and biophysical properties (such as structural, functional, and spatial information, amino acid conservation, physicochemical variation, residue mobility, and thermodynamic stability) performed at Invitae indicates that this missense variant is not expected to disrupt SH3TC2 protein function. ClinVar contains an entry for this variant (Variation ID: 649013). This variant has not been reported in the literature in individuals affected with SH3TC2-related conditions. This variant is present in population databases (rs764436192, gnomAD 0.01%). This sequence change replaces glutamic acid, which is acidic and polar, with lysine, which is basic and polar, at codon 769 of the SH3TC2 protein (p.Glu769Lys).

Illumina Laboratory Services, Illumina
Classification: Uncertain significance for Charcot-Marie-Tooth disease type 4C. Last evaluated: 2018-01-13. Review status: criteria provided, single submitter. Criteria: ICSL Variant Classification Criteria 13 December 2019. Collection method: clinical testing. Allele origin: germline.

Illumina Laboratory Services, Illumina
Classification: Uncertain significance for Susceptibility to mononeuropathy of the median nerve, mild. Last evaluated: 2018-01-13. Review status: criteria provided, single submitter. Criteria: ICSL Variant Classification Criteria 13 December 2019. Collection method: clinical testing. Allele origin: germline.

NM_024577.4(SH3TC2):c.2305G>A (p.Glu769Lys)

Gene: SH3TC2 (SH3 domain and tetratricopeptide repeats 2; minus strand). Cytogenetic location: 5q32.
Variant type: single nucleotide variant.
Coding change: c.2305G>A on transcript NM_024577.4 (MANE Select); coding-DNA position 2305, G replaced by A.
Protein change: p.Glu769Lys; replaces glutamic acid 769 with lysine.
Molecular consequence: missense variant.
Genome position (GRCh38, 1-based): chr5:149,027,427, C>T on the plus strand (G>A on the coding strand, the complement: SH3TC2 is on the minus strand). VCF-style: chr5-149027427-C-T. GRCh37 (hg19) VCF-style: chr5-148406990-C-T.
Other names: short protein forms E769K.
Identifiers: ClinVar variation 649013 (VCV000649013.13), dbSNP rs764436192, ClinGen allele CA3499029.